The following is an entry in ClinVar:

ClinVar aggregate classification (germline): Benign/Likely benign. Review status: criteria provided, multiple submitters, no conflicts (2 of 4 stars). 4 submissions from 4 submitters: Benign (3); Likely benign (1). Last evaluated 2025-11-12.

Conditions:
Inborn genetic diseases. Identifiers: MedGen C0950123, MeSH D030342.
Cornelia de Lange syndrome 3 (CDLS3). Also called: SMC3-Related Cornelia de Lange Syndrome; CORNELIA DE LANGE SYNDROME 3 WITH OR WITHOUT MIDLINE BRAIN DEFECTS. Identifiers: Orphanet 199, MedGen C1853099, MONDO:0012555, OMIM 610759.

Allele frequency attached by ClinVar (database versions not stated): TOPMed 0.00003; gnomAD 0.00028 and 0.00001; gnomAD exomes 0.00062 and 0.00116; ExAC 0.00140; 1000 Genomes Project 30x 0.00141; 1000 Genomes Project 0.00160.
gnomAD v4.1: 942 of 1,611,954 alleles (0.058%); highest among the groups gnomAD compares: South Asian, 1%; 12 homozygotes.

Submissions (4):

Labcorp Genetics (formerly Invitae), Labcorp
Classification: Benign for Cornelia de Lange syndrome 3. Last evaluated: 2025-11-12. Review status: criteria provided, single submitter. Criteria: Invitae Variant Classification Sherloc (09022015). Collection method: clinical testing. Allele origin: germline.

Blueprint Genetics
Classification: Likely benign. Last evaluated: 2024-11-15. Review status: criteria provided, single submitter. Criteria: ACMG Guidelines, 2015. Collection method: clinical testing. Allele origin: germline.

Illumina Laboratory Services, Illumina
Classification: Benign for Cornelia de Lange syndrome 3. Last evaluated: 2018-01-12. Review status: criteria provided, single submitter. Criteria: ICSL Variant Classification Criteria 13 December 2019. Collection method: clinical testing. Allele origin: germline.
Comment: This variant was observed in the ICSL laboratory as part of a predisposition screen in an ostensibly healthy population. It had not been previously curated by ICSL or reported in the Human Gene Mutation Database (HGMD: prior to June 1st, 2018), and was therefore a candidate for classification through an automated scoring system. Utilizing variant allele frequency, disease prevalence and penetrance estimates, and inheritance mode, an automated score was calculated to assess if this variant is too frequent to cause the disease. Based on the score and internal cut-off values, a variant classified as benign is not then subjected to further curation. The score for this variant resulted in a classification of benign for this disease.

Ambry Genetics
Classification: Benign for Inborn genetic diseases. Last evaluated: 2017-08-11. Review status: criteria provided, single submitter. Criteria: Ambry Variant Classification Scheme 2023. Collection method: clinical testing. Allele origin: germline.

NM_005445.4(SMC3):c.1671-4T>C

Gene: SMC3 (structural maintenance of chromosomes 3; plus strand). Cytogenetic location: 10q25.2.
Variant type: single nucleotide variant.
Coding change: c.1671-4T>C on transcript NM_005445.4 (MANE Select); 4 bases into the intron before coding-DNA position 1671, T replaced by C.
Molecular consequence: intron variant.
Genome position (GRCh38, 1-based): chr10:110,590,987, T>C. VCF-style: chr10-110590987-T-C. GRCh37 (hg19) VCF-style: chr10-112350745-T-C.
Identifiers: ClinVar variation 298770 (VCV000298770.16), dbSNP rs201392611, ClinGen allele CA5688031.
Genomic context (GRCh38, chr10:110,590,987, plus strand): 5'-GTTTGGGCAACATAGGGAGACCCTGAGTACCAATAAAGATTTGTCTTACTCTGTTTATAT[T>C]TAGGTTATTTTATCACATTGTTGATTCAGATGAAGTCAGCACGAAGATTTTAATGGAGTT-3'